The following is an entry in ClinVar:

ClinVar aggregate classification (germline): Likely benign (1 of 4 stars; one submission).

Submission:

GeneDx
Classification: Likely benign. Last evaluated: 2026-04-02. Review status: criteria provided, single submitter. Criteria: GeneDx Variant Classification Process June 2021. Collection method: clinical testing. Allele origin: germline.
Comment: See Variant Classification Assertion Criteria.

NM_012199.5(AGO1):c.904G>T (p.Val302Leu)

Genes: AGO1 (argonaute RISC component 1; plus strand), LOC126805695 (MED14-independent group 3 enhancer GRCh37_chr1:36359789-36360988; plus strand). Cytogenetic location: 1p34.3.
Variant type: single nucleotide variant.
Coding change: c.904G>T on transcript NM_012199.5 (MANE Select); coding-DNA position 904, G replaced by T.
Protein change: p.Val302Leu; replaces valine 302 with leucine.
Molecular consequence: missense variant.
Genome position (GRCh38, 1-based): chr1:35,895,153, G>T. VCF-style: chr1-35895153-G-T. GRCh37 (hg19) VCF-style: chr1-36360754-G-T.
Other names: c.904G>T, p.Val302Leu (NM_001317122.2); c.679G>T, p.Val227Leu (NM_001317123.2); short protein forms V227L, V302L.
Identifiers: ClinVar variation 3602796 (VCV003602796.2).